The following is an entry in ClinVar:

NM_000111.3(SLC26A3):c.378C>T (p.Ser126=)

Gene: SLC26A3 (solute carrier family 26 member 3; minus strand). Cytogenetic location: 7q22.3.
Variant type: single nucleotide variant.
Coding change: c.378C>T on transcript NM_000111.3 (MANE Select); coding-DNA position 378, C replaced by T.
Protein change: p.Ser126=; no amino-acid change (serine 126 retained).
Molecular consequence: synonymous variant.
Genome position (GRCh38, 1-based): chr7:107,791,834, G>A on the plus strand (C>T on the coding strand, the complement: SLC26A3 is on the minus strand). VCF-style: chr7-107791834-G-A. GRCh37 (hg19) VCF-style: chr7-107432279-G-A.
Identifiers: ClinVar variation 773217 (VCV000773217.24), dbSNP rs142349142, ClinGen allele CA4434157.

ClinVar aggregate classification (germline): Benign/Likely benign. Review status: criteria provided, multiple submitters, no conflicts (2 of 4 stars). 6 submissions from 6 submitters: Benign (2); Likely benign (4). Last evaluated 2026-07-01.

Conditions:
Congenital secretory diarrhea, chloride type (DIAR1). Also called: CHLORIDORRHEA, CONGENITAL; DIARRHEA 1, SECRETORY CHLORIDE, CONGENITAL; CHLORIDE DIARRHEA, CONGENITAL, FINNISH TYPE. Identifiers: Orphanet 53689, MedGen C0267662, MONDO:0008964, OMIM 214700.

Allele frequency attached by ClinVar (database versions not stated): ExAC 0.00403; 1000 Genomes Project 30x 0.00406; 1000 Genomes Project 0.00419; ESP Exome Variant Server 0.00523; gnomAD 0.00568 and 0.00575; TOPMed 0.00604.
gnomAD v4.1: 11,659 of 1,596,986 alleles (0.73%); highest among the groups gnomAD compares: Non-Finnish European, 0.9%; 60 homozygotes.

Submissions (6):

CeGaT Center for Human Genetics Tuebingen
Classification: Likely benign. Last evaluated: 2026-07-01. Review status: criteria provided, single submitter. Criteria: CeGaT Center For Human Genetics Tuebingen Variant Classification Criteria Version 2. Collection method: clinical testing. Allele origin: germline. Affected: yes. Observed: 2 variant alleles.
Comment: SLC26A3: BP4, BP7, BS2

Labcorp Genetics (formerly Invitae), Labcorp
Classification: Benign. Last evaluated: 2026-01-28. Review status: criteria provided, single submitter. Criteria: Invitae Variant Classification Sherloc (09022015). Collection method: clinical testing. Allele origin: germline.

Blueprint Genetics
Classification: Likely benign. Last evaluated: 2024-11-19. Review status: criteria provided, single submitter. Criteria: ACMG Guidelines, 2015. Collection method: clinical testing. Allele origin: germline.

GeneDx
Classification: Likely benign. Last evaluated: 2021-01-26. Review status: criteria provided, single submitter. Criteria: GeneDx Variant Classification Process June 2021. Collection method: clinical testing. Allele origin: germline. Affected: yes.

Illumina Laboratory Services, Illumina
Classification: Benign for Congenital secretory diarrhea, chloride type. Last evaluated: 2017-06-26. Review status: criteria provided, single submitter. Criteria: ICSL Variant Classification Criteria 13 December 2019. Collection method: clinical testing. Allele origin: germline.
Comment: This variant was observed as part of a predisposition screen in an ostensibly healthy population. A literature search was performed for the gene, cDNA change, and amino acid change (where applicable). No publications were found based on this search. Allele frequency data from public databases was too high to be consistent with this variant causing disease. Therefore, this variant is classified as benign.

Breakthrough Genomics
Classification: Likely benign. Review status: criteria provided, single submitter. Criteria: ACMG Guidelines, 2015. Collection method: not provided. Allele origin: germline. Inheritance: Autosomal recessive inheritance. Affected: yes.